The following is an entry in ClinVar:

NM_000440.3(PDE6A):c.1275A>T (p.Gln425His)

Gene: PDE6A (phosphodiesterase 6A; minus strand). Cytogenetic location: 5q32.
Variant type: single nucleotide variant.
Coding change: c.1275A>T on transcript NM_000440.3 (MANE Select); coding-DNA position 1275, A replaced by T.
Protein change: p.Gln425His; replaces glutamine 425 with histidine.
Molecular consequence: missense variant.
Genome position (GRCh38, 1-based): chr5:149,898,495, T>A on the plus strand (A>T on the coding strand, the complement: PDE6A is on the minus strand). VCF-style: chr5-149898495-T-A. GRCh37 (hg19) VCF-style: chr5-149278058-T-A.
Other names: c.1275A>T (NM_000440.2); short protein forms Q425H.
Identifiers: ClinVar variation 1421061 (VCV001421061.9), dbSNP rs778351337, ClinGen allele CA3504734.
Genomic context (GRCh38, chr5:149,898,495, plus strand): 5'-ATTTTCAAGTTTATTCATTGACTCATAGGTGTCAGGATTTAAGACAGACCAGCCCAGAAA[T>A]TGAGTCAAAGACTGAAAAAGAAAGAAAGGAGGAATCAGAGACAGAACACCTAAGTTTAAT-3'
Protein context (NP_000431.2, residues 415-435): MDETLMESLT[Gln425His]FLGWSVLNPD

ClinVar aggregate classification (germline): Uncertain significance. Review status: criteria provided, multiple submitters, no conflicts (2 of 4 stars). 2 submissions from 2 submitters: Uncertain significance (2). Last evaluated 2021-10-27.

Conditions:
Inborn genetic diseases. Identifiers: MedGen C0950123, MeSH D030342.

Allele frequency attached by ClinVar (database versions not stated): gnomAD 0.00001; gnomAD exomes 0.00002; ExAC 0.00003.
gnomAD v4.1: 27 of 1,613,398 alleles (0.0017%); highest among the groups gnomAD compares: Non-Finnish European, 0.0022%; no homozygotes.

Submissions (2):

Ambry Genetics
Classification: Uncertain significance for Inborn genetic diseases. Last evaluated: 2021-10-27. Review status: criteria provided, single submitter. Criteria: Ambry Variant Classification Scheme 2023. Collection method: clinical testing. Allele origin: germline.

Labcorp Genetics (formerly Invitae), Labcorp
Classification: Uncertain significance. Last evaluated: 2021-05-21. Review status: criteria provided, single submitter. Criteria: Invitae Variant Classification Sherloc (09022015). Collection method: clinical testing. Allele origin: germline.
Comment: This sequence change replaces glutamine with histidine at codon 425 of the PDE6A protein (p.Gln425His). The glutamine residue is highly conserved and there is a small physicochemical difference between glutamine and histidine. This variant is present in population databases (rs778351337, ExAC 0.005%). This variant has not been reported in the literature in individuals with PDE6A-related conditions. Algorithms developed to predict the effect of missense changes on protein structure and function are either unavailable or do not agree on the potential impact of this missense change (SIFT: "Deleterious"; PolyPhen-2: "Probably Damaging"; Align-GVGD: "Class C0"). In summary, the available evidence is currently insufficient to determine the role of this variant in disease. Therefore, it has been classified as a Variant of Uncertain Significance.